The following is an entry in ClinVar:

ClinVar aggregate classification (germline): Conflicting classifications of pathogenicity. Review status: criteria provided, conflicting classifications (1 of 4 stars). 6 submissions from 6 submitters: Uncertain significance (1); Likely benign (5). Last evaluated 2025-08-29.

Conditions:
Cardiac arrhythmia. Also called: Cardiac rhythm disease; Arrhythmia. Identifiers: MedGen C0003811, MONDO:0007263, HP:0011675.
Long QT syndrome 2 (LQT2). Identifiers: Orphanet 101016, Orphanet 768, MedGen C3150943, MONDO:0013367, OMIM 613688.
Cardiovascular phenotype. Identifiers: MedGen CN230736.
Long QT syndrome (LQTS). Identifiers: MedGen C0023976, MeSH D008133, MONDO:0002442. Disease mechanism: loss of function. Inheritance: Various modes of inheritance.

Allele frequency attached by ClinVar (database versions not stated): gnomAD exomes below 0.00001 and 0.00002; TOPMed below 0.00001; ExAC 0.00001; gnomAD 0.00001.
gnomAD v4.1: 31 of 1,614,066 alleles (0.0019%); highest among the groups gnomAD compares: East Asian, 0.0022%; no homozygotes.

Submissions (6):

Labcorp Genetics (formerly Invitae), Labcorp
Classification: Likely benign for Long QT syndrome. Last evaluated: 2025-08-29. Review status: criteria provided, single submitter. Criteria: Invitae Variant Classification Sherloc (09022015). Collection method: clinical testing. Allele origin: germline.

Blueprint Genetics
Classification: Likely benign. Last evaluated: 2023-11-02. Review status: criteria provided, single submitter. Criteria: ACMG Guidelines, 2015. Collection method: clinical testing. Allele origin: germline.

All of Us Research Program, National Institutes of Health
Classification: Likely benign for Long QT syndrome. Last evaluated: 2023-08-28. Review status: criteria provided, single submitter. Criteria: ACMG Guidelines, 2015. Collection method: clinical testing. Allele origin: germline. Inheritance: Autosomal dominant inheritance. Observed: 2 variant alleles, 2 heterozygotes.
Comment: This study involves interpretation of variants in research participants for the purpose of population health screening. Participant phenotype was not available at the time of variant classification. Additional details can be found in publication PMID: 35346344, PMCID: PMC8962531

Ambry Genetics
Classification: Likely benign for Cardiovascular phenotype. Last evaluated: 2023-02-14. Review status: criteria provided, single submitter. Criteria: Ambry Variant Classification Scheme 2023. Collection method: clinical testing. Allele origin: germline.

Color Diagnostics, LLC DBA Color Health
Classification: Likely benign for Arrhythmia. Last evaluated: 2018-12-31. Review status: criteria provided, single submitter. Criteria: ACMG Guidelines, 2015. Collection method: clinical testing. Allele origin: germline.

Illumina Laboratory Services, Illumina
Classification: Uncertain significance for Long QT syndrome 2. Last evaluated: 2017-04-28. Review status: criteria provided, single submitter. Criteria: ICSL Variant Classification Criteria 13 December 2019. Collection method: clinical testing. Allele origin: germline.

NM_000238.4(KCNH2):c.1707C>T (p.Tyr569=)

Gene: KCNH2 (potassium voltage-gated channel subfamily H member 2; minus strand). Cytogenetic location: 7q36.1.
Variant type: single nucleotide variant.
Coding change: c.1707C>T on transcript NM_000238.4 (MANE Select); coding-DNA position 1707, C replaced by T.
Protein change: p.Tyr569=; no amino-acid change (tyrosine 569 retained).
Molecular consequence: synonymous variant. On other transcripts: non-coding transcript variant (2).
Genome position (GRCh38, 1-based): chr7:150,951,686, G>A on the plus strand (C>T on the coding strand, the complement: KCNH2 is on the minus strand). VCF-style: chr7-150951686-G-A. GRCh37 (hg19) VCF-style: chr7-150648774-G-A.
Other names: c.687C>T, p.Tyr229= (NM_001204798.2, NM_172057.3); c.1419C>T, p.Tyr473= (NM_001406753.1, NM_001406756.1); c.1530C>T, p.Tyr510= (NM_001406755.1); c.1407C>T, p.Tyr469= (NM_001406757.1); c.1707C>T, p.Tyr569= (NM_172056.3).
Identifiers: ClinVar variation 911855 (VCV000911855.21), dbSNP rs777831008, ClinGen allele CA029261.